The following is an entry in ClinVar:

ClinVar aggregate classification (germline): Pathogenic (1 of 4 stars; one submission).

Submission:

Labcorp Genetics (formerly Invitae), Labcorp
Classification: Pathogenic. Last evaluated: 2026-01-17. Review status: criteria provided, single submitter. Criteria: Invitae Variant Classification Sherloc (09022015). Collection method: clinical testing. Allele origin: germline.
Comment: This sequence change creates a premature translational stop signal (p.Pro290Phefs*2) in the RP2 gene. It is expected to result in an absent or disrupted protein product. Loss-of-function variants in RP2 are known to be pathogenic (PMID: 11992260, 20625056). This variant is not present in population databases (gnomAD no frequency). This variant has not been reported in the literature in individuals affected with RP2-related conditions. For these reasons, this variant has been classified as Pathogenic.

Literature cited by the submitters: PubMed 11992260; PubMed 20625056.

NM_006915.3(RP2):c.867_870del (p.Pro290fs)

Gene: RP2 (RP2 activator of ARL3 GTPase; plus strand). Cytogenetic location: Xp11.3.
Variant type: Microsatellite.
Coding change: c.867_870del on transcript NM_006915.3 (MANE Select); coding-DNA positions 867 to 870, 4 bases deleted (TCCT; older notation c.867_870delTCCT).
Protein change: p.Pro290fs; shifts the reading frame from proline 290.
Molecular consequence: frameshift variant.
Genome position (GRCh38, 1-based): chrX:46,860,086-46,860,089, TCCT deleted; deleting any 4 consecutive bases within chrX:46,860,080-46,860,089 gives the same sequence; the c. name uses the placement nearest the transcript's 3' end. VCF-style (leftmost placement, unchanged base first): chrX-46860079-ACTTC-A. GRCh37 (hg19) VCF-style: chrX-46719514-ACTTC-A.
Other names: short protein forms P290fs.
Identifiers: ClinVar variation 1075432 (VCV001075432.8), dbSNP rs2147083267, ClinGen allele CA2580617022.